The following is an entry in ClinVar:

NM_000059.4(BRCA2):c.2978_2986del (p.Trp993_Leu996delinsPhe)

Gene: BRCA2 (BRCA2 DNA repair associated; plus strand). Cytogenetic location: 13q13.1.
Variant type: Deletion.
Coding change: c.2978_2986del on transcript NM_000059.4 (MANE Select); coding-DNA positions 2978 to 2986, 9 bases deleted (GGGCAGGAC; older notation c.2978_2986delGGGCAGGAC).
Protein change: p.Trp993_Leu996delinsPhe.
Molecular consequence: inframe indel. On other transcripts: non-coding transcript variant (1), intron variant (2).
Genome position (GRCh38, 1-based): chr13:32,337,333-32,337,341, GGGCAGGAC deleted. VCF-style (leftmost placement, unchanged base first): chr13-32337332-TGGGCAGGAC-T. GRCh37 (hg19) VCF-style: chr13-32911469-TGGGCAGGAC-T.
Other names: c.2978_2986del, p.Trp993_Leu996delinsPhe (NM_001406719.1, NM_001406720.1); c.1909+3946_1909+3954del (NM_001406721.1); c.424+6303_424+6311del (NM_001406722.1).
Identifiers: ClinVar variation 2705680 (VCV002705680.3), dbSNP rs2548524977, ClinGen allele CA2697551738.

ClinVar aggregate classification (germline): Uncertain significance (1 of 4 stars; one submission).

Conditions:
Hereditary breast ovarian cancer syndrome. Also called: Hereditary breast and/or ovarian cancer syndrome; Hereditary breast and ovarian cancer syndrome (HBOC); Breast and ovarian cancer; Hereditary breast and ovarian cancer syndrome; Hereditary breast and ovarian cancer; BRCA1- and BRCA2-Associated Hereditary Breast and Ovarian Cancer. Identifiers: Orphanet 145, MedGen C0677776, MeSH D061325, MONDO:0003582. Disease mechanism: loss of function.

Submission:

Labcorp Genetics (formerly Invitae), Labcorp
Classification: Uncertain significance for Hereditary breast ovarian cancer syndrome. Last evaluated: 2023-12-26. Review status: criteria provided, single submitter. Criteria: Invitae Variant Classification Sherloc (09022015). Collection method: clinical testing. Allele origin: germline.
Comment: This variant, c.2978_2986del, is a complex sequence change that results in the deletion of 4 and insertion of 1 amino acid(s) in the BRCA2 protein (p.Trp993_Leu996delinsPhe). This variant is not present in population databases (gnomAD no frequency). This variant has not been reported in the literature in individuals affected with BRCA2-related conditions. Experimental studies and prediction algorithms are not available or were not evaluated, and the functional significance of this variant is currently unknown. In summary, the available evidence is currently insufficient to determine the role of this variant in disease. Therefore, it has been classified as a Variant of Uncertain Significance.